The following is an entry in ClinVar:

ClinVar aggregate classification (germline): Uncertain significance (1 of 4 stars; one submission).

Conditions:
Hereditary sensory and autonomic neuropathy type 6. Also called: HSAN VI; Neuropathy, hereditary sensory and autonomic, type VI. Identifiers: Orphanet 314381, MedGen C3539003, MONDO:0013839, OMIM 614653.
Epidermolysis bullosa simplex 3, localized or generalized intermediate, with BP230 deficiency (EBS3). Also called: Epidermolysis bullosa simplex, autosomal recessive 2; Epidermolysis bullosa simplex due to BP230 deficiency. Identifiers: Orphanet 412181, MedGen C3809470, MONDO:0014180, OMIM 615425.

Submission:

Labcorp Genetics (formerly Invitae), Labcorp
Classification: Uncertain significance for Epidermolysis bullosa simplex 3, localized or generalized intermediate, with BP230 deficiency; Hereditary sensory and autonomic neuropathy type 6. Last evaluated: 2022-08-23. Review status: criteria provided, single submitter. Criteria: Invitae Variant Classification Sherloc (09022015). Collection method: clinical testing. Allele origin: germline.
Comment: This sequence change replaces glycine, which is neutral and non-polar, with glutamic acid, which is acidic and polar, at codon 543 of the DST protein (p.Gly543Glu). This variant is not present in population databases (gnomAD no frequency). This variant has not been reported in the literature in individuals affected with DST-related conditions. ClinVar contains an entry for this variant (Variation ID: 1466599). Algorithms developed to predict the effect of missense changes on protein structure and function (SIFT, PolyPhen-2, Align-GVGD) all suggest that this variant is likely to be disruptive. In summary, the available evidence is currently insufficient to determine the role of this variant in disease. Therefore, it has been classified as a Variant of Uncertain Significance.

NM_001374736.1(DST):c.3239G>A (p.Gly1080Glu)

Gene: DST (dystonin; minus strand). Cytogenetic location: 6p12.1.
Variant type: single nucleotide variant.
Coding change: c.3239G>A on transcript NM_001374736.1 (MANE Select); coding-DNA position 3239, G replaced by A.
Protein change: p.Gly1080Glu; replaces glycine 1080 with glutamic acid.
Molecular consequence: missense variant.
Genome position (GRCh38, 1-based): chr6:56,634,901, C>T on the plus strand (G>A on the coding strand, the complement: DST is on the minus strand). VCF-style: chr6-56634901-C-T. GRCh37 (hg19) VCF-style: chr6-56499699-C-T.
Other names: c.3140G>A, p.Gly1047Glu (NM_001144769.5); c.2726G>A, p.Gly909Glu (NM_001144770.2); c.3239G>A, p.Gly1080Glu (NM_001374722.1); c.2606G>A, p.Gly869Glu (NM_001374729.1, NM_001374730.1, NM_001386100.1 and 1 more transcripts); c.3266G>A, p.Gly1089Glu (NM_001374734.1); c.1628G>A, p.Gly543Glu (NM_001723.7, NM_015548.5); short protein forms G1080E, G1089E, G543E, G909E, G869E, G1047E.
Identifiers: ClinVar variation 1466599 (VCV001466599.8), dbSNP rs2098811562, ClinGen allele CA364576400.